The following is an entry in ClinVar:

ClinVar aggregate classification (germline): Uncertain significance (1 of 4 stars; one submission).

Conditions:
POLRMT-related disorder. Also called: POLRMT-related condition.

Submission:

PreventionGenetics, part of Exact Sciences
Classification: Uncertain significance for POLRMT-related condition. Last evaluated: 2025-07-08. Review status: criteria provided, single submitter. Criteria: ACMG Guidelines, 2015. Collection method: clinical testing. Allele origin: germline.
Comment: The POLRMT c.3139A>G variant is predicted to result in the amino acid substitution p.Thr1047Ala. To our knowledge, this variant has not been reported in the literature or in a large population database (gnomAD), indicating this variant is rare. At this time, the clinical significance of this variant is uncertain due to the absence of conclusive functional and genetic evidence.

NM_005035.4(POLRMT):c.3139A>G (p.Thr1047Ala)

Gene: POLRMT (RNA polymerase mitochondrial; minus strand). Cytogenetic location: 19p13.3.
Variant type: single nucleotide variant.
Coding change: c.3139A>G on transcript NM_005035.4 (MANE Select); coding-DNA position 3139, A replaced by G.
Protein change: p.Thr1047Ala; replaces threonine 1047 with alanine.
Molecular consequence: missense variant. On other transcripts: non-coding transcript variant (1).
Genome position (GRCh38, 1-based): chr19:619,224, T>C on the plus strand (A>G on the coding strand, the complement: POLRMT is on the minus strand). VCF-style: chr19-619224-T-C. GRCh37 (hg19) VCF-style: chr19-619224-T-C.
Other names: c.3139A>G, p.Thr1047Ala (NM_001407805.1, NM_001407816.1); c.3130A>G, p.Thr1044Ala (NM_001407806.1, NM_001407809.1); c.3127A>G, p.Thr1043Ala (NM_001407807.1, NM_001407810.1); c.3148A>G, p.Thr1050Ala (NM_001407808.1); c.3097A>G, p.Thr1033Ala (NM_001407811.1, NM_001407813.1); c.3100A>G, p.Thr1034Ala (NM_001407812.1); c.3061A>G, p.Thr1021Ala (NM_001407814.1, NM_001407815.1); c.3016A>G, p.Thr1006Ala (NM_001407829.1); and 5 more; short protein forms T1006A, T1047A, T926A, T1021A, T1050A, T936A, T939A, T972A.
Identifiers: ClinVar variation 5001485 (VCV005001485.1).